The following is an entry in ClinVar:

ClinVar aggregate classification (germline): Likely benign. Review status: criteria provided, multiple submitters, no conflicts (2 of 4 stars). 5 submissions from 5 submitters: Likely benign (4). 1 of the submissions does not count toward it. Last evaluated 2025-12-02.

Conditions:
Familial thoracic aortic aneurysm and aortic dissection (TAAD). Also called: Thoracic aortic aneurysms and dissections. Identifiers: Orphanet 91387, MedGen C4707243, MONDO:0019625.
Marfan syndrome (MFS). Also called: Marfan syndrome, classic; Marfan syndrome type 1; Marfan's syndrome; FBN1-Related Marfan Syndrome; MARFAN SYNDROME, TYPE I. Identifiers: Orphanet 284963, Orphanet 558, MedGen C0024796, MONDO:0007947, OMIM 154700.
FBN1-related disorder. Also called: FBN1-related disorders.

Allele frequency attached by ClinVar (database versions not stated): gnomAD 0.00001 and 0.00005; gnomAD exomes 0.00001 and 0.00003; ExAC 0.00002; TOPMed 0.00004.
gnomAD v4.1: 49 of 1,612,636 alleles (0.003%); highest among the groups gnomAD compares: East Asian, 0.1%; 1 homozygote.

Submissions (5):

Labcorp Genetics (formerly Invitae), Labcorp
Classification: Likely benign for Marfan syndrome; Familial thoracic aortic aneurysm and aortic dissection. Last evaluated: 2025-12-02. Review status: criteria provided, single submitter. Criteria: Invitae Variant Classification Sherloc (09022015). Collection method: clinical testing. Allele origin: germline.

All of Us Research Program, National Institutes of Health
Classification: Likely benign for Marfan syndrome. Last evaluated: 2023-03-04. Review status: criteria provided, single submitter. Criteria: ACMG Guidelines, 2015. Collection method: clinical testing. Allele origin: germline. Inheritance: Autosomal dominant inheritance. Observed: 1 variant allele, 1 heterozygote.
Comment: This study involves interpretation of variants in research participants for the purpose of population health screening. Participant phenotype was not available at the time of variant classification. Additional details can be found in publication PMID: 35346344, PMCID: PMC8962531

Ambry Genetics
Classification: Likely benign for Familial thoracic aortic aneurysm and aortic dissection. Last evaluated: 2022-10-17. Review status: criteria provided, single submitter. Criteria: Ambry Variant Classification Scheme 2023. Collection method: clinical testing. Allele origin: germline.

Color Diagnostics, LLC DBA Color Health
Classification: Likely benign for Familial thoracic aortic aneurysm and aortic dissection. Last evaluated: 2018-11-18. Review status: criteria provided, single submitter. Criteria: ACMG Guidelines, 2015. Collection method: clinical testing. Allele origin: germline.

PreventionGenetics, part of Exact Sciences
Classification: Likely benign for FBN1-related condition. Last evaluated: 2023-07-19. Review status: no assertion criteria provided. Collection method: clinical testing. Allele origin: germline. Not counted in ClinVar's aggregate classification.
Comment: This variant is classified as likely benign based on ACMG/AMP sequence variant interpretation guidelines (Richards et al. 2015 PMID: 25741868, with internal and published modifications).

NM_000138.5(FBN1):c.5805A>C (p.Ala1935=)

Gene: FBN1 (fibrillin 1; minus strand). Cytogenetic location: 15q21.1.
Variant type: single nucleotide variant.
Coding change: c.5805A>C on transcript NM_000138.5 (MANE Select); coding-DNA position 5805, A replaced by C.
Protein change: p.Ala1935=; no amino-acid change (alanine 1935 retained).
Molecular consequence: synonymous variant.
Genome position (GRCh38, 1-based): chr15:48,445,488, T>G on the plus strand (A>C on the coding strand, the complement: FBN1 is on the minus strand). VCF-style: chr15-48445488-T-G. GRCh37 (hg19) VCF-style: chr15-48737685-T-G.
Identifiers: ClinVar variation 920687 (VCV000920687.14), dbSNP rs755825254, ClinGen allele CA055704.